The following is an entry in ClinVar:

ClinVar aggregate classification (germline): Uncertain significance. Review status: criteria provided, multiple submitters, no conflicts (2 of 4 stars). 5 submissions from 5 submitters: Uncertain significance (5). Last evaluated 2024-08-11.

Conditions:
Inborn genetic diseases. Identifiers: MedGen C0950123, MeSH D030342.
Joubert syndrome 3 (JBTS3). Also called: AHI1-related Ciliopathy. Identifiers: Orphanet 220493, MedGen C1837713, MONDO:0012078, OMIM 608629.
Joubert syndrome. Also called: JOUBERT-BOLTSHAUSER SYNDROME; Familial aplasia of the vermis. Identifiers: Orphanet 475, MedGen C5979921, MONDO:0018772.

Allele frequency attached by ClinVar (database versions not stated): ExAC 0.00002; gnomAD 0.00002 and 0.00003; TOPMed 0.00002; gnomAD exomes 0.00003 and 0.00006; 1000 Genomes Project 0.00020; 1000 Genomes Project 30x 0.00047.
gnomAD v4.1: 98 of 1,613,958 alleles (0.0061%); highest among the groups gnomAD compares: Non-Finnish European, 0.008%; no homozygotes.

Submissions (5):

GeneDx
Classification: Uncertain significance. Last evaluated: 2024-08-11. Review status: criteria provided, single submitter. Criteria: GeneDx Variant Classification Process June 2021. Collection method: clinical testing. Allele origin: germline. Affected: yes.
Comment: Not observed at significant frequency in large population cohorts (gnomAD); In silico analysis supports that this missense variant has a deleterious effect on protein structure/function; Has not been previously published as pathogenic or benign to our knowledge

Fulgent Genetics
Classification: Uncertain significance for Joubert syndrome 3. Last evaluated: 2024-02-07. Review status: criteria provided, single submitter. Criteria: ACMG Guidelines, 2015. Collection method: clinical testing. Allele origin: germline.

Blueprint Genetics
Classification: Uncertain significance. Last evaluated: 2023-08-09. Review status: criteria provided, single submitter. Criteria: ACMG Guidelines, 2015. Collection method: clinical testing. Allele origin: germline.

Labcorp Genetics (formerly Invitae), Labcorp
Classification: Uncertain significance for Joubert syndrome. Last evaluated: 2022-10-17. Review status: criteria provided, single submitter. Criteria: Invitae Variant Classification Sherloc (09022015). Collection method: clinical testing. Allele origin: germline.
Comment: This sequence change replaces aspartic acid, which is acidic and polar, with glycine, which is neutral and non-polar, at codon 81 of the AHI1 protein (p.Asp81Gly). This variant is present in population databases (rs538208208, gnomAD 0.006%). This variant has not been reported in the literature in individuals affected with AHI1-related conditions. ClinVar contains an entry for this variant (Variation ID: 863560). Advanced modeling of protein sequence and biophysical properties (such as structural, functional, and spatial information, amino acid conservation, physicochemical variation, residue mobility, and thermodynamic stability) performed at Invitae indicates that this missense variant is not expected to disrupt AHI1 protein function. In summary, the available evidence is currently insufficient to determine the role of this variant in disease. Therefore, it has been classified as a Variant of Uncertain Significance.

Ambry Genetics
Classification: Uncertain significance for Inborn genetic diseases. Last evaluated: 2022-09-06. Review status: criteria provided, single submitter. Criteria: Ambry Variant Classification Scheme 2023. Collection method: clinical testing. Allele origin: germline.

NM_001134831.2(AHI1):c.242A>G (p.Asp81Gly)

Gene: AHI1 (Abelson helper integration site 1; minus strand). Cytogenetic location: 6q23.3.
Variant type: single nucleotide variant.
Coding change: c.242A>G on transcript NM_001134831.2 (MANE Select); coding-DNA position 242, A replaced by G.
Protein change: p.Asp81Gly; replaces aspartic acid 81 with glycine.
Molecular consequence: missense variant.
Genome position (GRCh38, 1-based): chr6:135,466,321, T>C on the plus strand (A>G on the coding strand, the complement: AHI1 is on the minus strand). VCF-style: chr6-135466321-T-C. GRCh37 (hg19) VCF-style: chr6-135787459-T-C.
Other names: c.242A>G, p.Asp81Gly (NM_001134830.2, NM_001134832.2, NM_001350503.2 and 2 more transcripts); short protein forms D81G.
Identifiers: ClinVar variation 863560 (VCV000863560.11), dbSNP rs538208208, ClinGen allele CA4012866.